The following is an entry in ClinVar:

NM_015202.5(KATNIP):c.503C>T (p.Thr168Ile)

Gene: KATNIP (katanin interacting protein; plus strand). Cytogenetic location: 16p12.1.
Variant type: single nucleotide variant.
Coding change: c.503C>T on transcript NM_015202.5 (MANE Select); coding-DNA position 503, C replaced by T.
Protein change: p.Thr168Ile; replaces threonine 168 with isoleucine.
Molecular consequence: missense variant.
Genome position (GRCh38, 1-based): chr16:27,648,698, C>T. VCF-style: chr16-27648698-C-T. GRCh37 (hg19) VCF-style: chr16-27660019-C-T.
Other names: short protein forms T168I.
Identifiers: ClinVar variation 1987052 (VCV001987052.1), dbSNP rs948594373, ClinGen allele CA279734498.

ClinVar aggregate classification (germline): Uncertain significance (1 of 4 stars; one submission).

Allele frequency attached by ClinVar (database versions not stated): TOPMed below 0.00001.

Submission:

Labcorp Genetics (formerly Invitae), Labcorp
Classification: Uncertain significance. Last evaluated: 2022-06-15. Review status: criteria provided, single submitter. Criteria: Invitae Variant Classification Sherloc (09022015). Collection method: clinical testing. Allele origin: germline.
Comment: This sequence change replaces threonine, which is neutral and polar, with isoleucine, which is neutral and non-polar, at codon 168 of the KIAA0556 protein (p.Thr168Ile). This variant is present in population databases (no rsID available, gnomAD 0.006%). This variant has not been reported in the literature in individuals affected with KIAA0556-related conditions. Algorithms developed to predict the effect of missense changes on protein structure and function output the following: SIFT: "Deleterious"; PolyPhen-2: "Benign"; Align-GVGD: "Class C0". The isoleucine amino acid residue is found in multiple mammalian species, which suggests that this missense change does not adversely affect protein function. In summary, the available evidence is currently insufficient to determine the role of this variant in disease. Therefore, it has been classified as a Variant of Uncertain Significance.